The following is an entry in ClinVar:

NM_000875.5(IGF1R):c.3187-2A>G

Gene: IGF1R (insulin like growth factor 1 receptor; plus strand). Cytogenetic location: 15q26.3.
Variant type: single nucleotide variant.
Coding change: c.3187-2A>G on transcript NM_000875.5 (MANE Select); the canonical splice acceptor site of the intron before coding-DNA position 3187, A replaced by G.
Molecular consequence: splice acceptor variant.
Genome position (GRCh38, 1-based): chr15:98,935,314, A>G. VCF-style: chr15-98935314-A-G. GRCh37 (hg19) VCF-style: chr15-99478543-A-G.
Other names: c.3184-2A>G (NM_001291858.2).
Identifiers: ClinVar variation 2769523 (VCV002769523.3), dbSNP rs886042346, ClinGen allele CA393658699.

ClinVar aggregate classification (germline): Likely pathogenic (1 of 4 stars; one submission).

Submission:

Labcorp Genetics (formerly Invitae), Labcorp
Classification: Likely pathogenic. Last evaluated: 2023-11-28. Review status: criteria provided, single submitter. Criteria: Invitae Variant Classification Sherloc (09022015). Collection method: clinical testing. Allele origin: germline.
Comment: This sequence change affects an acceptor splice site in intron 16 of the IGF1R gene. It is expected to disrupt RNA splicing. Variants that disrupt the donor or acceptor splice site typically lead to a loss of protein function (PMID: 16199547), and loss-of-function variants in IGF1R are known to be pathogenic (PMID: 14657428). This variant is not present in population databases (gnomAD no frequency). This variant has not been reported in the literature in individuals affected with IGF1R-related conditions. Algorithms developed to predict the effect of sequence changes on RNA splicing suggest that this variant may disrupt the consensus splice site. In summary, the currently available evidence indicates that the variant is pathogenic, but additional data are needed to prove that conclusively. Therefore, this variant has been classified as Likely Pathogenic.

Literature cited by the submitters: PubMed 16199547; PubMed 14657428.